The following is an entry in ClinVar:

NM_012330.4(KAT6B):c.3415A>G (p.Arg1139Gly)

Gene: KAT6B (lysine acetyltransferase 6B; plus strand). Cytogenetic location: 10q22.2.
Variant type: single nucleotide variant.
Coding change: c.3415A>G on transcript NM_012330.4 (MANE Select); coding-DNA position 3415, A replaced by G.
Protein change: p.Arg1139Gly; replaces arginine 1139 with glycine.
Molecular consequence: missense variant.
Genome position (GRCh38, 1-based): chr10:75,025,000, A>G. VCF-style: chr10-75025000-A-G. GRCh37 (hg19) VCF-style: chr10-76784758-A-G.
Other names: c.2866A>G, p.Arg956Gly (NM_001256468.2, NM_001370138.1); c.2539A>G, p.Arg847Gly (NM_001256469.2, NM_001370139.1, NM_001370140.1 and 2 more transcripts); c.2377A>G, p.Arg793Gly (NM_001370132.1); c.1726A>G, p.Arg576Gly (NM_001370133.1); c.1330A>G, p.Arg444Gly (NM_001370134.1); c.1072A>G, p.Arg358Gly (NM_001370135.1); c.3415A>G, p.Arg1139Gly (NM_001370136.1, NM_001370137.1); c.2350A>G, p.Arg784Gly (NM_001370143.1, NM_001370144.1); short protein forms R1139G, R358G, R444G, R576G, R784G, R793G, R847G, R956G.
Identifiers: ClinVar variation 2414617 (VCV002414617.7), dbSNP rs2549183140, ClinGen allele CA377287178.

ClinVar aggregate classification (germline): Uncertain significance (1 of 4 stars; one submission).

Conditions:
Genitopatellar syndrome (GTPTS). Also called: Genitopatellar syndrome (GPS); ABSENT PATELLAE, SCROTAL HYPOPLASIA, RENAL ANOMALIES, FACIAL DYSMORPHISM, AND MENTAL RETARDATION. Identifiers: Orphanet 85201, MedGen C1853566, MONDO:0011640, OMIM 606170.

Submission:

Labcorp Genetics (formerly Invitae), Labcorp
Classification: Uncertain significance for Genitopatellar syndrome. Last evaluated: 2023-03-10. Review status: criteria provided, single submitter. Criteria: Invitae Variant Classification Sherloc (09022015). Collection method: clinical testing. Allele origin: germline.
Comment: ClinVar contains an entry for this variant (Variation ID: 2414617). This sequence change replaces arginine, which is basic and polar, with glycine, which is neutral and non-polar, at codon 1139 of the KAT6B protein (p.Arg1139Gly). This variant is not present in population databases (gnomAD no frequency). This variant has not been reported in the literature in individuals affected with KAT6B-related conditions. Advanced modeling of protein sequence and biophysical properties (such as structural, functional, and spatial information, amino acid conservation, physicochemical variation, residue mobility, and thermodynamic stability) performed at Invitae indicates that this missense variant is not expected to disrupt KAT6B protein function. In summary, the available evidence is currently insufficient to determine the role of this variant in disease. Therefore, it has been classified as a Variant of Uncertain Significance.